The following is an entry in ClinVar:

ClinVar aggregate classification (germline): Likely benign (0 of 4 stars; one submission).

Conditions:
GPD2-related disorder. Also called: GPD2-related condition.

gnomAD v4.1: 1 of 1,613,040 alleles (0.000062%); no homozygotes.

Submission:

PreventionGenetics, part of Exact Sciences
Classification: Likely benign for GPD2-related condition. Last evaluated: 2023-08-19. Review status: no assertion criteria provided. Collection method: clinical testing. Allele origin: germline.
Comment: This variant is classified as likely benign based on ACMG/AMP sequence variant interpretation guidelines (Richards et al. 2015 PMID: 25741868, with internal and published modifications).

NM_000408.5(GPD2):c.135C>T (p.Cys45=)

Gene: GPD2 (glycerol-3-phosphate dehydrogenase 2; plus strand). Cytogenetic location: 2q24.1.
Variant type: single nucleotide variant.
Coding change: c.135C>T on transcript NM_000408.5 (MANE Select); coding-DNA position 135, C replaced by T.
Protein change: p.Cys45=; no amino-acid change (cysteine 45 retained).
Molecular consequence: synonymous variant.
Genome position (GRCh38, 1-based): chr2:156,496,076, C>T. VCF-style: chr2-156496076-C-T. GRCh37 (hg19) VCF-style: chr2-157352588-C-T.
Other names: c.135C>T, p.Cys45= (NM_001083112.3).
Identifiers: ClinVar variation 3048119 (VCV003048119.2), dbSNP rs2468519467, ClinGen allele CA429455979.